The following is an entry in ClinVar:

NM_001256071.3(RNF213):c.5281A>G (p.Met1761Val)

Gene: RNF213 (ring finger protein 213; plus strand). Cytogenetic location: 17q25.3.
Variant type: single nucleotide variant.
Coding change: c.5281A>G on transcript NM_001256071.3 (MANE Select); coding-DNA position 5281, A replaced by G.
Protein change: p.Met1761Val; replaces methionine 1761 with valine.
Molecular consequence: missense variant.
Genome position (GRCh38, 1-based): chr17:80,339,648, A>G. VCF-style: chr17-80339648-A-G. GRCh37 (hg19) VCF-style: chr17-78313448-A-G.
Other names: short protein forms M1761V.
Identifiers: ClinVar variation 1320961 (VCV001320961.2), dbSNP rs1474000142, ClinGen allele CA401388501.

ClinVar aggregate classification (germline): Uncertain significance (1 of 4 stars; one submission).

Allele frequency attached by ClinVar (database versions not stated): gnomAD exomes 0.00001; TOPMed 0.00001; gnomAD 0.00002.

Submission:

GeneDx
Classification: Uncertain significance. Last evaluated: 2021-04-12. Review status: criteria provided, single submitter. Criteria: GeneDx Variant Classification Process June 2021. Collection method: clinical testing. Allele origin: germline. Affected: yes.
Comment: In silico analysis supports that this missense variant does not alter protein structure/function; Has not been previously reported as a pathogenic or benign germline variant to our knowledge; This variant is associated with the following publications: (PMID: 33363033)